The following is an entry in ClinVar:

ClinVar aggregate classification (germline): Uncertain significance (1 of 4 stars; one submission).

Submission:

GeneDx
Classification: Uncertain significance. Last evaluated: 2023-07-21. Review status: criteria provided, single submitter. Criteria: GeneDx Variant Classification Process June 2021. Collection method: clinical testing. Allele origin: germline. Affected: yes.
Comment: Not observed at significant frequency in large population cohorts (gnomAD); In silico analysis supports that this missense variant has a deleterious effect on protein structure/function; Has not been previously published as pathogenic or benign to our knowledge

NM_021096.4(CACNA1I):c.2348T>G (p.Ile783Ser)

Gene: CACNA1I (calcium voltage-gated channel subunit alpha1 I; plus strand). Cytogenetic location: 22q13.1.
Variant type: single nucleotide variant.
Coding change: c.2348T>G on transcript NM_021096.4 (MANE Select); coding-DNA position 2348, T replaced by G.
Protein change: p.Ile783Ser; replaces isoleucine 783 with serine.
Molecular consequence: missense variant.
Genome position (GRCh38, 1-based): chr22:39,659,450, T>G. VCF-style: chr22-39659450-T-G. GRCh37 (hg19) VCF-style: chr22-40055455-T-G.
Other names: c.2243T>G, p.Ile748Ser (NM_001003406.2); short protein forms I748S, I783S.
Identifiers: ClinVar variation 3361262 (VCV003361262.1).
Genomic context (GRCh38, chr22:39,659,450, plus strand): 5'-TGGTGCATGTGAGTCCGATGAGCCTCTTCCATCCTTTCCCCAGCATCCTTGGGATGCATA[T>G]TTTTGGCTGCAAGTTCAGCCTCCGCACGGACACTGGAGACACGGTGCCCGACAGGAAGAA-3'
Protein context (NP_066919.2, residues 773-793): IFIFSILGMH[Ile783Ser]FGCKFSLRTD